The following is an entry in ClinVar:

ClinVar aggregate classification (germline): Uncertain significance (1 of 4 stars; one submission).

Submission:

GeneDx
Classification: Uncertain significance. Last evaluated: 2023-10-31. Review status: criteria provided, single submitter. Criteria: GeneDx Variant Classification Process June 2021. Collection method: clinical testing. Allele origin: germline. Affected: yes.
Comment: Not observed at significant frequency in large population cohorts (gnomAD); Missense variants in this gene are a common cause of disease and they are underrepresented in the general population; In silico analysis supports that this missense variant does not alter protein structure/function; Has not been previously published as pathogenic or benign to our knowledge

NM_006009.4(TUBA1A):c.499C>A (p.Leu167Met)

Gene: TUBA1A (tubulin alpha 1a; minus strand). Cytogenetic location: 12q13.12.
Variant type: single nucleotide variant.
Coding change: c.499C>A on transcript NM_006009.4 (MANE Select); coding-DNA position 499, C replaced by A.
Protein change: p.Leu167Met; replaces leucine 167 with methionine.
Molecular consequence: missense variant.
Genome position (GRCh38, 1-based): chr12:49,185,867, G>T on the plus strand (C>A on the coding strand, the complement: TUBA1A is on the minus strand). VCF-style: chr12-49185867-G-T. GRCh37 (hg19) VCF-style: chr12-49579650-G-T.
Other names: c.499C>A, p.Leu167Met (NM_001270399.2); c.394C>A, p.Leu132Met (NM_001270400.2); short protein forms L132M, L167M.
Identifiers: ClinVar variation 3363317 (VCV003363317.1).